The following is an entry in ClinVar:

ClinVar aggregate classification (germline): Uncertain significance. Review status: criteria provided, multiple submitters, no conflicts (2 of 4 stars). 3 submissions from 3 submitters: Uncertain significance (3). Last evaluated 2025-05-14.

Conditions:
Hereditary nonpolyposis colorectal neoplasms. Identifiers: MedGen C0009405, MeSH D003123.
Hereditary cancer-predisposing syndrome. Also called: Neoplastic Syndromes, Hereditary; Tumor predisposition; Hereditary Cancer Syndrome; Hereditary neoplastic syndrome. Identifiers: Orphanet 140162, MedGen C0027672, MeSH D009386, MONDO:0015356.

Submissions (3):

Labcorp Genetics (formerly Invitae), Labcorp
Classification: Uncertain significance for Hereditary nonpolyposis colorectal neoplasms. Last evaluated: 2025-05-14. Review status: criteria provided, single submitter. Criteria: Invitae Variant Classification Sherloc (09022015). Collection method: clinical testing. Allele origin: germline.
Comment: This sequence change replaces glycine, which is neutral and non-polar, with valine, which is neutral and non-polar, at codon 108 of the PMS2 protein (p.Gly108Val). This variant is not present in population databases (gnomAD no frequency). This variant has not been reported in the literature in individuals affected with PMS2-related conditions. ClinVar contains an entry for this variant (Variation ID: 920301). Invitae Evidence Modeling incorporating data from in vitro experimental studies (internal data) indicates that this missense variant is expected to disrupt PMS2 function with a positive predictive value of 95%. In summary, the available evidence is currently insufficient to determine the role of this variant in disease. Therefore, it has been classified as a Variant of Uncertain Significance.

Color Diagnostics, LLC DBA Color Health
Classification: Uncertain significance for Hereditary cancer-predisposing syndrome. Last evaluated: 2019-08-21. Review status: criteria provided, single submitter. Criteria: ACMG Guidelines, 2015. Collection method: clinical testing. Allele origin: germline.
Comment: This missense variant replaces glycine with valine at codon 108 of the PMS2 protein. Computational prediction tools and conservation analyses suggest that this variant may have deleterious impact on protein structure and function. Splice site prediction tools suggest that this variant may not impact RNA splicing. To our knowledge, functional studies have not been performed for this variant. This variant has not been reported in individuals affected with hereditary cancer in the literature. This variant has not been identified in the general population by the Genome Aggregation Database (gnomAD). The available evidence is insufficient to determine the role of this variant in disease conclusively. Therefore, this variant is classified as a Variant of Uncertain Significance.

Ambry Genetics
Classification: Uncertain significance for Hereditary cancer-predisposing syndrome. Last evaluated: 2018-05-11. Review status: criteria provided, single submitter. Criteria: Ambry Variant Classification Scheme 2023. Collection method: clinical testing. Allele origin: germline.
Comment: The p.G108V variant (also known as c.323G>T), located in coding exon 4 of the PMS2 gene, results from a G to T substitution at nucleotide position 323. The glycine at codon 108 is replaced by valine, an amino acid with dissimilar properties. This amino acid position is highly conserved in available vertebrate species. In addition, this alteration is predicted to be deleterious by in silico analysis. Since supporting evidence is limited at this time, the clinical significance of this alteration remains unclear.

NM_000535.7(PMS2):c.323G>T (p.Gly108Val)

Gene: PMS2 (PMS1 homolog 2, mismatch repair system component; minus strand). Cytogenetic location: 7p22.1.
Variant type: single nucleotide variant.
Coding change: c.323G>T on transcript NM_000535.7 (MANE Select); coding-DNA position 323, G replaced by T.
Protein change: p.Gly108Val; replaces glycine 108 with valine.
Molecular consequence: missense variant. On other transcripts: 5 prime UTR variant (9), non-coding transcript variant (1), intron variant (2).
Genome position (GRCh38, 1-based): chr7:6,003,720, C>A on the plus strand (G>T on the coding strand, the complement: PMS2 is on the minus strand). VCF-style: chr7-6003720-C-A. GRCh37 (hg19) VCF-style: chr7-6043351-C-A.
Other names: c.-83G>T (NM_001322003.2, NM_001322004.2, NM_001322005.2 and 3 more transcripts); c.323G>T, p.Gly108Val (NM_001322006.2, NM_001322014.2); c.-562G>T (NM_001322011.2, NM_001322012.2); c.-162G>T (NM_001322015.2); c.35+252G>T (NM_001322008.2, NM_001322007.2); short protein forms G108V.
Identifiers: ClinVar variation 920301 (VCV000920301.8), dbSNP rs1785369293, ClinGen allele CA366744581.